The following is an entry in ClinVar:

ClinVar aggregate classification (germline): Likely benign. Review status: criteria provided, multiple submitters, no conflicts (2 of 4 stars). 4 submissions from 4 submitters: Likely benign (4). Last evaluated 2026-05-11.

Conditions:
Neurofibromatosis, type 1 (NF1). Also called: Neurofibromatosis, type I; VON RECKLINGHAUSEN DISEASE; Peripheral type neurofibromatosis; NEUROFIBROMATOSIS, TYPE I, SOMATIC. Identifiers: Orphanet 636, MedGen C0027831, MONDO:0018975, OMIM 162200. Disease mechanism: loss of function.
NF1-related disorder. Also called: NF1-related condition. Identifiers: MedGen CN379171.

Allele frequency attached by ClinVar (database versions not stated): gnomAD exomes 0.00001 and 0.00003; ExAC 0.00002; gnomAD 0.00002; TOPMed 0.00002.
gnomAD v4.1: 45 of 1,613,538 alleles (0.0028%); highest among the groups gnomAD compares: Middle Eastern, 0.016%; no homozygotes.

Submissions (4):

Myriad Genetics, Inc.
Classification: Likely benign for Neurofibromatosis, type 1. Last evaluated: 2026-05-11. Review status: criteria provided, single submitter. Criteria: Myriad Autosomal Dominant, Autosomal Recessive and X-Linked Classification Criteria (2023). Collection method: clinical testing. Allele origin: unknown.
Comment: This variant is considered likely benign. This variant is intronic and is not expected to impact mRNA splicing.

Labcorp Genetics (formerly Invitae), Labcorp
Classification: Likely benign for Neurofibromatosis, type 1. Last evaluated: 2026-02-03. Review status: criteria provided, single submitter. Criteria: Invitae Variant Classification Sherloc (09022015). Collection method: clinical testing. Allele origin: germline.

PreventionGenetics, part of Exact Sciences
Classification: Likely benign for NF1-related condition. Last evaluated: 2025-11-14. Review status: criteria provided, single submitter. Criteria: ACMG Guidelines, 2015. Collection method: clinical testing. Allele origin: germline.
Comment: This variant is classified as likely benign based on ACMG/AMP sequence variant interpretation guidelines (Richards et al. 2015 PMID: 25741868, with internal and published modifications).

Blueprint Genetics
Classification: Likely benign. Last evaluated: 2022-01-17. Review status: criteria provided, single submitter. Criteria: ACMG Guidelines, 2015. Collection method: clinical testing. Allele origin: germline.

NM_001042492.3(NF1):c.479+7G>A

Gene: NF1 (neurofibromin 1; plus strand). Cytogenetic location: 17q11.2.
Variant type: single nucleotide variant.
Coding change: c.479+7G>A on transcript NM_001042492.3 (MANE Select); 7 bases into the intron after coding-DNA position 479, G replaced by A.
Molecular consequence: intron variant.
Genome position (GRCh38, 1-based): chr17:31,163,383, G>A. VCF-style: chr17-31163383-G-A. GRCh37 (hg19) VCF-style: chr17-29490401-G-A.
Other names: c.479+7G>A (NM_000267.4, NM_001128147.3).
Identifiers: ClinVar variation 413007 (VCV000413007.13), dbSNP rs778398666, ClinGen allele CA8485544.